The following is an entry in ClinVar:

NM_006766.5(KAT6A):c.3898dup (p.Glu1300fs)

Gene: KAT6A (lysine acetyltransferase 6A; minus strand). Cytogenetic location: 8p11.21.
Variant type: Duplication.
Coding change: c.3898dup on transcript NM_006766.5 (MANE Select); coding-DNA position 3898, one base duplicated (G; older notation c.3898dupG).
Protein change: p.Glu1300fs; shifts the reading frame from glutamic acid 1300.
Molecular consequence: frameshift variant.
Genome position (GRCh38, 1-based): chr8:41,934,322, C duplicated on the plus strand (G on the coding strand, the reverse complement: KAT6A is on the minus strand); the first of 2 consecutive C bases (chr8:41,934,322-41,934,323); duplicating either gives the same sequence. VCF-style (leftmost placement, unchanged base first): chr8-41934321-T-TC. GRCh37 (hg19) VCF-style: chr8-41791839-T-TC.
Other names: short protein forms E1300fs.
Identifiers: ClinVar variation 3338566 (VCV003338566.1).

ClinVar aggregate classification (germline): Pathogenic (1 of 4 stars; one submission).

Conditions:
Autosomal dominant intellectual disability-craniofacial anomalies-cardiac defects syndrome (ARTHS). Also called: Mental retardation, autosomal dominant 32; Arboleda-Tham syndrome; KAT6A syndrome. Identifiers: Orphanet 457193, MedGen C4225396, MONDO:0014558, OMIM 616268.

Submission:

Greenwood Genetic Center Diagnostic Laboratories, Greenwood Genetic Center
Classification: Pathogenic for Autosomal dominant intellectual disability-craniofacial anomalies-cardiac defects syndrome. Last evaluated: 2024-06-20. Review status: criteria provided, single submitter. Criteria: ACMG Guidelines, 2015. Collection method: clinical testing. Allele origin: germline. Affected: yes.
Comment: PVS1, PS2, PM2